The following is an entry in ClinVar:

NC_000016.9:g.(?_16259460)_(16292059_?)del

Gene: ABCC6 (ATP binding cassette subfamily C member 6; minus strand). Cytogenetic location: 16p13.11.
Variant type: Deletion.
Identifiers: ClinVar variation 2423919 (VCV002423919.4).

ClinVar aggregate classification (germline): Pathogenic (1 of 4 stars; one submission).

Submission:

Labcorp Genetics (formerly Invitae), Labcorp
Classification: Pathogenic. Last evaluated: 2022-08-13. Review status: criteria provided, single submitter. Criteria: Invitae Variant Classification Sherloc (09022015). Collection method: clinical testing. Allele origin: germline.
Comment: For these reasons, this variant has been classified as Pathogenic. This variant disrupts a region of the ABCC6 protein in which other variant(s) (p.Thr811Met) have been determined to be pathogenic (PMID: 16410789, 30154241, 32873932). This suggests that this is a clinically significant region of the protein, and that variants that disrupt it are likely to be disease-causing. This variant has not been reported in the literature in individuals affected with ABCC6-related conditions. This variant is a gross deletion of the genomic region encompassing exon(s) 10-23 of the ABCC6 gene. This variant would be expected to be in-frame, preserving the integrity of the reading frame.

Literature cited by the submitters: PubMed 16410789; PubMed 30154241; PubMed 32873932.